The following is an entry in ClinVar:

ClinVar aggregate classification (germline): Uncertain significance (1 of 4 stars; one submission).

Allele frequency attached by ClinVar (database versions not stated): TOPMed 0.00001; ExAC 0.00001; gnomAD 0.00001; gnomAD exomes 0.00001.

Submission:

Labcorp Genetics (formerly Invitae), Labcorp
Classification: Uncertain significance. Last evaluated: 2024-02-22. Review status: criteria provided, single submitter. Criteria: Invitae Variant Classification Sherloc (09022015). Collection method: clinical testing. Allele origin: germline.
Comment: This sequence change replaces proline, which is neutral and non-polar, with leucine, which is neutral and non-polar, at codon 129 of the FGFR3 protein (p.Pro129Leu). This variant is present in population databases (rs751165912, gnomAD 0.002%). This variant has not been reported in the literature in individuals affected with FGFR3-related conditions. ClinVar contains an entry for this variant (Variation ID: 1680001). Advanced modeling of protein sequence and biophysical properties (such as structural, functional, and spatial information, amino acid conservation, physicochemical variation, residue mobility, and thermodynamic stability) performed at Invitae indicates that this missense variant is not expected to disrupt FGFR3 protein function with a negative predictive value of 95%. In summary, the available evidence is currently insufficient to determine the role of this variant in disease. Therefore, it has been classified as a Variant of Uncertain Significance.

NM_000142.5(FGFR3):c.386C>T (p.Pro129Leu)

Gene: FGFR3 (fibroblast growth factor receptor 3; plus strand). Cytogenetic location: 4p16.3.
Variant type: single nucleotide variant.
Coding change: c.386C>T on transcript NM_000142.5 (MANE Select); coding-DNA position 386, C replaced by T.
Protein change: p.Pro129Leu; replaces proline 129 with leucine.
Molecular consequence: missense variant. On other transcripts: non-coding transcript variant (1).
Genome position (GRCh38, 1-based): chr4:1,799,753, C>T. VCF-style: chr4-1799753-C-T. GRCh37 (hg19) VCF-style: chr4-1801480-C-T.
Other names: c.386C>T, p.Pro129Leu (NM_022965.4, NM_001163213.2, NM_001354809.2 and 1 more transcripts); short protein forms P129L.
Identifiers: ClinVar variation 1680001 (VCV001680001.8), dbSNP rs751165912, ClinGen allele CA2809805.